The following is an entry in ClinVar:

ClinVar aggregate classification (germline): Uncertain significance (1 of 4 stars; one submission).

Submission:

CeGaT Center for Human Genetics Tuebingen
Classification: Uncertain significance. Last evaluated: 2026-09-01. Review status: criteria provided, single submitter. Criteria: CeGaT Center For Human Genetics Tuebingen Variant Classification Criteria Version 2. Collection method: clinical testing. Allele origin: germline. Affected: yes. Observed: 1 variant allele.
Comment: DEAF1: PM2, BP4

NM_021008.4(DEAF1):c.955C>G (p.Pro319Ala)

Gene: DEAF1 (DEAF1 transcription factor; minus strand). Cytogenetic location: 11p15.5.
Variant type: single nucleotide variant.
Coding change: c.955C>G on transcript NM_021008.4 (MANE Select); coding-DNA position 955, C replaced by G.
Protein change: p.Pro319Ala; replaces proline 319 with alanine.
Molecular consequence: missense variant. On other transcripts: intron variant (1).
Genome position (GRCh38, 1-based): chr11:681,005, G>C on the plus strand (C>G on the coding strand, the complement: DEAF1 is on the minus strand). VCF-style: chr11-681005-G-C. GRCh37 (hg19) VCF-style: chr11-681005-G-C.
Other names: c.229C>G, p.Pro77Ala (NM_001367390.1, NM_001440885.1, NM_001440886.1 and 1 more transcripts); c.955C>G, p.Pro319Ala (NM_001440883.1, NM_001440884.1); c.731-1189C>G (NM_001293634.2); short protein forms P319A, P77A.
Identifiers: ClinVar variation 5041423 (VCV005041423.1).
Genomic context (GRCh38, chr11:681,005, plus strand): 5'-GTGTTTTCTCAAACTCACAGGTGGTAGCCGCGGTGGCTGGAAGCAATGTGATGTTCTTGG[G>C]GGAGTCCTTCTTCACGGGAGTTGTGGGCAGTTCATTCTCCTTCTTGCGCCTTTTGTAAGG-3'
Protein context (NP_066288.2, residues 309-329): LPTTPVKKDS[Pro319Ala]KNITLLPATA